The following is an entry in ClinVar:

NM_025144.4(ALPK1):c.2336A>G (p.Lys779Arg)

Gene: ALPK1 (alpha kinase 1; plus strand). Cytogenetic location: 4q25.
Variant type: single nucleotide variant.
Coding change: c.2336A>G on transcript NM_025144.4 (MANE Select); coding-DNA position 2336, A replaced by G.
Protein change: p.Lys779Arg; replaces lysine 779 with arginine.
Molecular consequence: missense variant.
Genome position (GRCh38, 1-based): chr4:112,431,883, A>G. VCF-style: chr4-112431883-A-G. GRCh37 (hg19) VCF-style: chr4-113353039-A-G.
Other names: c.2336A>G, p.Lys779Arg (NM_001102406.2); c.2102A>G, p.Lys701Arg (NM_001253884.2); short protein forms K701R, K779R.
Identifiers: ClinVar variation 2992983 (VCV002992983.3), dbSNP rs11729797, ClinGen allele CA103763844.

ClinVar aggregate classification (germline): Uncertain significance (1 of 4 stars; one submission).

Submission:

Labcorp Genetics (formerly Invitae), Labcorp
Classification: Uncertain significance. Last evaluated: 2023-01-13. Review status: criteria provided, single submitter. Criteria: Invitae Variant Classification Sherloc (09022015). Collection method: clinical testing. Allele origin: germline.
Comment: In summary, the available evidence is currently insufficient to determine the role of this variant in disease. Therefore, it has been classified as a Variant of Uncertain Significance. This sequence change replaces lysine, which is basic and polar, with arginine, which is basic and polar, at codon 779 of the ALPK1 protein (p.Lys779Arg). Advanced modeling of protein sequence and biophysical properties (such as structural, functional, and spatial information, amino acid conservation, physicochemical variation, residue mobility, and thermodynamic stability) performed at Invitae indicates that this missense variant is not expected to disrupt ALPK1 protein function. This variant has not been reported in the literature in individuals affected with ALPK1-related conditions. This variant is not present in population databases (gnomAD no frequency).